The following is an entry in ClinVar:

NM_001395002.1(MAP4K4):c.2465A>T (p.Asp822Val)

Gene: MAP4K4 (mitogen-activated protein kinase kinase kinase kinase 4; plus strand). Cytogenetic location: 2q11.2.
Variant type: single nucleotide variant.
Coding change: c.2465A>T on transcript NM_001395002.1 (MANE Select); coding-DNA position 2465, A replaced by T.
Protein change: p.Asp822Val; replaces aspartic acid 822 with valine.
Molecular consequence: missense variant. On other transcripts: non-coding transcript variant (4).
Genome position (GRCh38, 1-based): chr2:101,869,623, A>T. VCF-style: chr2-101869623-A-T. GRCh37 (hg19) VCF-style: chr2-102486085-A-T.
Other names: c.2297A>T, p.Asp766Val (NM_001384477.1, NM_001384508.1); c.1979A>T, p.Asp660Val (NM_001384478.1, NM_001384495.1); c.2225A>T, p.Asp742Val (NM_001384481.1); c.1970A>T, p.Asp657Val (NM_001384482.1); c.2060A>T, p.Asp687Val (NM_001384483.1); c.2303A>T, p.Asp768Val (NM_001384484.1, NM_001384485.1, NM_001384493.1); c.2234A>T, p.Asp745Val (NM_001384486.1, NM_001384507.1); c.2201A>T, p.Asp734Val (NM_001384487.1); and 31 more; short protein forms D650V, D687V, D728V, D733V, D734V, D744V, D766V, D822V.
Identifiers: ClinVar variation 3293134 (VCV003293134.2).

ClinVar aggregate classification (germline): Uncertain significance (1 of 4 stars; one submission).

Conditions:
Inborn genetic diseases. Identifiers: MedGen C0950123, MeSH D030342.

Submission:

Ambry Genetics
Classification: Uncertain significance for Inborn genetic diseases. Last evaluated: 2025-07-17. Review status: criteria provided, single submitter. Criteria: Ambry Variant Classification Scheme 2023. Collection method: clinical testing. Allele origin: germline.
Comment: The c.2132A>T (p.D711V) alteration is located in exon 20 (coding exon 20) of the MAP4K4 gene. This alteration results from a A to T substitution at nucleotide position 2132, causing the aspartic acid (D) at amino acid position 711 to be replaced by a valine (V). This variant was not reported in population-based cohorts in the Genome Aggregation Database (gnomAD). This amino acid position is highly conserved in available vertebrate species. The in silico prediction for this alteration is inconclusive. Based on insufficient or conflicting evidence, the clinical significance of this alteration remains unclear.